The following is an entry in ClinVar:

ClinVar aggregate classification (germline): Uncertain significance (1 of 4 stars; one submission).

Conditions:
Progressive microcephaly-seizures-cortical blindness-developmental delay syndrome. Also called: Seizures, cortical blindness, and microcephaly syndrome. Identifiers: Orphanet 477814, MedGen C5567650, MONDO:0014714, OMIM 616632.
Autosomal dominant nonsyndromic hearing loss 1. Also called: KONIGSMARK SYNDROME; DEAFNESS, AUTOSOMAL DOMINANT 1, WITH OR WITHOUT THROMBOCYTOPENIA. Identifiers: Orphanet 90635, MedGen C1852282, MONDO:0007424, OMIM 124900.

Allele frequency attached by ClinVar (database versions not stated): gnomAD 0.00001; gnomAD exomes 0.00001; TOPMed 0.00001; ExAC 0.00006.

Submission:

Labcorp Genetics (formerly Invitae), Labcorp
Classification: Uncertain significance for Progressive microcephaly-seizures-cortical blindness-developmental delay syndrome; Autosomal dominant nonsyndromic hearing loss 1. Last evaluated: 2025-02-20. Review status: criteria provided, single submitter. Criteria: Invitae Variant Classification Sherloc (09022015). Collection method: clinical testing. Allele origin: germline.
Comment: This sequence change replaces leucine, which is neutral and non-polar, with serine, which is neutral and polar, at codon 156 of the DIAPH1 protein (p.Leu156Ser). This variant is present in population databases (rs755081489, gnomAD 0.006%). This variant has not been reported in the literature in individuals affected with DIAPH1-related conditions. ClinVar contains an entry for this variant (Variation ID: 2940796). Experimental studies and prediction algorithms are not available or were not evaluated, and the functional significance of this variant is currently unknown. In summary, the available evidence is currently insufficient to determine the role of this variant in disease. Therefore, it has been classified as a Variant of Uncertain Significance.

NM_005219.5(DIAPH1):c.467T>C (p.Leu156Ser)

Gene: DIAPH1 (diaphanous related formin 1; minus strand). Cytogenetic location: 5q31.3.
Variant type: single nucleotide variant.
Coding change: c.467T>C on transcript NM_005219.5 (MANE Select); coding-DNA position 467, T replaced by C.
Protein change: p.Leu156Ser; replaces leucine 156 with serine.
Molecular consequence: missense variant.
Genome position (GRCh38, 1-based): chr5:141,583,551, A>G on the plus strand (T>C on the coding strand, the complement: DIAPH1 is on the minus strand). VCF-style: chr5-141583551-A-G. GRCh37 (hg19) VCF-style: chr5-140963118-A-G.
Other names: c.440T>C, p.Leu147Ser (NM_001079812.3); c.467T>C, p.Leu156Ser (NM_001314007.2); short protein forms L147S, L156S.
Identifiers: ClinVar variation 2940796 (VCV002940796.3), dbSNP rs755081489, ClinGen allele CA3479591.